The following is an entry in ClinVar:

NM_152564.5(VPS13B):c.3690T>C (p.Thr1230=)

Gene: VPS13B (vacuolar protein sorting 13 homolog B; plus strand). Cytogenetic location: 8q22.2.
Variant type: single nucleotide variant.
Coding change: c.3690T>C on transcript NM_152564.5 (MANE Select); coding-DNA position 3690, T replaced by C.
Protein change: p.Thr1230=; no amino-acid change (threonine 1230 retained).
Molecular consequence: synonymous variant.
Genome position (GRCh38, 1-based): chr8:99,481,622, T>C. VCF-style: chr8-99481622-T-C. GRCh37 (hg19) VCF-style: chr8-100493850-T-C.
Other names: c.3690T>C, p.Thr1230= (NM_017890.5); c.3690T>C (NM_152564.4).
Identifiers: ClinVar variation 195901 (VCV000195901.13), dbSNP rs751715193, ClinGen allele CA242568.

ClinVar aggregate classification (germline): Conflicting classifications of pathogenicity. Review status: criteria provided, conflicting classifications (1 of 4 stars). 3 submissions from 3 submitters: Uncertain significance (1); Likely benign (1). 1 of the submissions does not count toward it. Last evaluated 2024-03-04.

Conditions:
VPS13B-related disorder. Also called: VPS13B-related condition.
Cohen syndrome (COH1). Also called: PEPPER SYNDROME; Cutis verticis gyrata, retinitis pigmentosa, and sensorineural deafness. Identifiers: Orphanet 193, MedGen C0265223, MONDO:0008999, OMIM 216550.

Allele frequency attached by ClinVar (database versions not stated): gnomAD exomes below 0.00001; TOPMed below 0.00001; ExAC 0.00001; gnomAD 0.00001.
gnomAD v4.1: 8 of 1,613,814 alleles (0.0005%); highest among the groups gnomAD compares: Admixed American, 0.005%; no homozygotes.

Submissions (3):

Labcorp Genetics (formerly Invitae), Labcorp
Classification: Likely benign for Cohen syndrome. Last evaluated: 2024-03-04. Review status: criteria provided, single submitter. Criteria: Invitae Variant Classification Sherloc (09022015). Collection method: clinical testing. Allele origin: germline.

Eurofins Ntd Llc (ga)
Classification: Uncertain significance. Last evaluated: 2015-04-29. Review status: criteria provided, single submitter. Criteria: EGL Classification Definitions 2015. Collection method: clinical testing. Allele origin: germline. Observed: 1 variant allele, 1 heterozygote.

PreventionGenetics, part of Exact Sciences
Classification: Likely benign for VPS13B-related condition. Last evaluated: 2022-03-16. Review status: no assertion criteria provided. Collection method: clinical testing. Allele origin: germline. Not counted in ClinVar's aggregate classification.
Comment: This variant is classified as likely benign based on ACMG/AMP sequence variant interpretation guidelines (Richards et al. 2015 PMID: 25741868, with internal and published modifications).